The following is an entry in ClinVar:

ClinVar aggregate classification (germline): Likely pathogenic. Review status: reviewed by expert panel (3 of 4 stars). 4 submissions from 4 submitters: Likely pathogenic (1). 3 of the submissions do not count toward it. Last evaluated 2025-05-23.

Conditions:
Hurler syndrome. Also called: Gargoylism, Hurler Syndrome; MUCOPOLYSACCHARIDOSIS TYPE IH; Severe MPS I (Hurler Syndrome). Identifiers: Orphanet 93473, MedGen C0086795, MONDO:0011758, OMIM 607014.
Mucopolysaccharidosis, MPS-I-H/S. Also called: Mucopolysaccharidosis type IH/S. Identifiers: Orphanet 93476, MedGen C0086431, MONDO:0011759, OMIM 607015.
Mucopolysaccharidosis, MPS-I-S. Also called: MPS V; MUCOPOLYSACCHARIDOSIS TYPE V; Scheie Syndrome; MUCOPOLYSACCHARIDOSIS TYPE IS. Identifiers: Orphanet 93474, MedGen C0026708, MONDO:0011760, OMIM 607016.
Mucopolysaccharidosis type 1. Also called: IDUA deficiency; MPS I; Mucopolysaccharidosis Type I. Identifiers: Orphanet 579, MedGen C0023786, MONDO:0001586.
IDUA-related core myopathy.

Allele frequency attached by ClinVar (database versions not stated): gnomAD exomes below 0.00001.
gnomAD v4.1: 1 of 1,596,766 alleles (0.000063%); highest among the groups gnomAD compares: Non-Finnish European, 0.000085%; no homozygotes.

Submissions (4):

ClinGen Lysosomal Storage Disorder Variant Curation Expert Panel
Classification: Likely pathogenic for Mucopolysaccharidosis type 1. Last evaluated: 2025-05-23. Review status: reviewed by expert panel. Criteria: ClinGen LSD ACMG Specifications IDUA V1.0.0. Collection method: curation. Allele origin: germline. Inheritance: Autosomal recessive inheritance.
Comment: The NM_000203.5:c.826G>A in IDUA is a missense variant resulting in the substitution of glutamate by lysine at amino acid 276 (p.Glu276Lys). This variant has been reported in at least five probands with MPS I, all with a milder phenotype. In one patient homozygous for this genetic change (PMID 21364962), a highly-specific combination of clinical and biochemical evidence for MPS I has been reported (PMID: 21364962) (PP4). All other probands are also reported to have a confirmed enzymatic diagnosis. This variant has been detected in at least five probands with MPS I in the available literature. Two individuals are compound heterozygous for the variant and another variant in IDUA that has been classified as pathogenic or likely pathogenic for MPS I including c.208C>T (p.Gln70Ter) (ClinVar Variation ID: 11909) (P by LD VCEP, phase unconfirmed, 0.5 points) (PMID: 35141277), and c.494-1G>A (ClinVar Variation ID: 557942) (LP by LD VCEP, phase unconfirmed, 0.25 points) (PMID: 21394825). Another individual is compound heterozygous for the variant and c.250G>C (p.Gly84Arg). The allelic data from the latter patient will be used in the classification of p.Gly84Arg and is not included here to avoid circular logic. Total 1.75 points (PM3). Experimental evidence from a COS-7 cell line, with c.826G>A expressed through site-directed mutagenesis, demonstrated minimal residual enzyme activity (approximately 1%) (PMID 21364962) (PS3_Supporting). The computational predictor REVEL gives a score of 0.833 which is above the threshold of 0.773, evidence that correlates with impact to IDUA function at the moderate level based on the specifications of the ClinGen Lysosomal Diseases VCEP (PMID: 36413997) (PP3_Moderate). The highest population minor allele frequency in gnomAD v4.1.0. is 8.522e-7 (1/1173452 alleles) in the European (non-Finnish) population, which is lower than the ClinGen Lysosomal Diseases VCEP’s threshold for PM2_Supporting (<0.00025), meeting this criterion (PM2_Supporting). In summary, this variant meets the criteria to be classified as likely pathogenic for MPS I. IDUA-specific ACMG/AMP criteria met, as specified by the ClinGen Lysosomal Diseases Variant Curation Expert Panel (Specifications Version 1.0.0.): PM3, PP3_Moderate, PP4, PS3_Supporting, PM2_Supporting. (Classification approved by the ClinGen Lysosomal Diseases Variant Curation Expert Panel on May 23, 2025).

Fulgent Genetics
Classification: Pathogenic for Hurler syndrome; Mucopolysaccharidosis, MPS-I-H/S; Mucopolysaccharidosis, MPS-I-S. Last evaluated: 2024-05-16. Review status: criteria provided, single submitter. Criteria: ACMG Guidelines, 2015. Collection method: clinical testing. Allele origin: germline. Not counted in ClinVar's aggregate classification.

Women's Health and Genetics/Laboratory Corporation of America, LabCorp
Classification: Pathogenic for Mucopolysaccharidosis type 1. Last evaluated: 2024-05-16. Review status: criteria provided, single submitter. Criteria: LabCorp Variant Classification Summary - May 2015. Collection method: clinical testing. Allele origin: germline. Not counted in ClinVar's aggregate classification.
Comment: Variant summary: IDUA c.826G>A (p.Glu276Lys) results in a conservative amino acid change located in the glycosyl hydrolases family 39, N-terminal catalytic domain (IPR049166) of the encoded protein sequence. Four of five in-silico tools predict a damaging effect of the variant on protein function. The variant was absent in 218024 control chromosomes (gnomAD). c.826G>A has been reported in the literature in multiple individuals affected with Mucopolysaccharidosis Type 1(Bertola_2011, Oussoren_2013, Prommajan_2011). These data indicate that the variant is very likely to be associated with disease. In vitro and in vivo functional studies report that the variant resulted in reduced enzymatic activity (Oussoren_2013, Prommajan_2011). The following publications have been ascertained in the context of this evaluation (PMID: 21394825, 23786846, 21364962). No submitters have cited clinical-significance assessments for this variant to ClinVar. Based on the evidence outlined above, the variant was classified as pathogenic.

Muscle and Diseases Team, Institut de Génétique et Biologie Moléculaire et Cellulaire
Classification: Pathogenic for IDUA-related core myopathy. Last evaluated: 2024-03-01. Review status: criteria provided, single submitter. Criteria: ACMG Guidelines, 2015. Collection method: research. Allele origin: biparental. Affected: yes. Observed: 1 variant allele. Not counted in ClinVar's aggregate classification.
Comment: PS1+PS3+PM1+PM2+PP1+PP3+PP4+PP5

Literature cited by the submitters: PubMed 21364962 (cited by ClinGen Lysosomal Storage Disorder Variant Curation Expert Panel and Women's Health and Genetics/Laboratory Corporation of America, LabCorp); PubMed 21394825 (cited by Women's Health and Genetics/Laboratory Corporation of America, LabCorp); PubMed 23786846 (cited by Women's Health and Genetics/Laboratory Corporation of America, LabCorp); DOI 10.1186/s13073-024-01353-0 (cited by Muscle and Diseases Team, Institut de Génétique et Biologie Moléculaire et Cellulaire).

NM_000203.5(IDUA):c.826G>A (p.Glu276Lys)

Gene: IDUA (alpha-L-iduronidase; plus strand). Cytogenetic location: 4p16.3.
Variant type: single nucleotide variant.
Coding change: c.826G>A on transcript NM_000203.5 (MANE Select); coding-DNA position 826, G replaced by A.
Protein change: p.Glu276Lys; replaces glutamic acid 276 with lysine.
Molecular consequence: missense variant. On other transcripts: non-coding transcript variant (1).
Genome position (GRCh38, 1-based): chr4:1,002,015, G>A. VCF-style: chr4-1002015-G-A. GRCh37 (hg19) VCF-style: chr4-995803-G-A.
Other names: NM_001363576.1:c.430G>A; c.430G>A, p.Glu144Lys (NM_001363576.1); short protein forms E144K, E276K.
Identifiers: ClinVar variation 3233261 (VCV003233261.5), dbSNP rs2534087208.
Genomic context (GRCh38, chr4:1,002,015, plus strand): 5'-GTGGTGCTGAGGCGGCCCCGCCCGCAGGGTGCGCGCAGCTCCATCTCCATCCTGGAGCAG[G>A]AGAAGGTCGTCGCGCAGCAGATCCGGCAGCTCTTCCCCAAGTTCGCGGACACCCCCATTT-3'
Protein context (NP_000194.2, residues 266-286): ARSSISILEQ[Glu276Lys]KVVAQQIRQL